The following is an entry in ClinVar:

ClinVar aggregate classification (germline): Uncertain significance (1 of 4 stars; one submission).

Submission:

Ambry Genetics
Classification: Uncertain significance. Last evaluated: 2022-03-23. Review status: criteria provided, single submitter. Criteria: Ambry Variant Classification Scheme 2023. Collection method: clinical testing. Allele origin: germline.
Comment: The p.S526R variant (also known as c.1576A>C), located in coding exon 16 of the KIF1B gene, results from an A to C substitution at nucleotide position 1576. The serine at codon 526 is replaced by arginine, an amino acid with dissimilar properties. This amino acid position is conserved. In addition, this alteration is predicted to be deleterious by in silico analysis. Since supporting evidence is limited at this time, the clinical significance of this alteration remains unclear.

NM_001365951.3(KIF1B):c.1714A>C (p.Ser572Arg)

Gene: KIF1B (kinesin family member 1B; plus strand). Cytogenetic location: 1p36.22.
Variant type: single nucleotide variant.
Coding change: c.1714A>C on transcript NM_001365951.3 (MANE Select); coding-DNA position 1714, A replaced by C.
Protein change: p.Ser572Arg; replaces serine 572 with arginine.
Molecular consequence: missense variant.
Genome position (GRCh38, 1-based): chr1:10,295,703, A>C. VCF-style: chr1-10295703-A-C. GRCh37 (hg19) VCF-style: chr1-10355761-A-C.
Other names: c.1714A>C, p.Ser572Arg (NM_001365952.1); c.1576A>C, p.Ser526Arg (NM_001365953.1, NM_015074.3, NM_183416.4); short protein forms S526R, S572R.
Identifiers: ClinVar variation 1775591 (VCV001775591.2), dbSNP rs2521390768, ClinGen allele CA338314902.